The following is an entry in ClinVar:

ClinVar aggregate classification (germline): Likely benign. Review status: criteria provided, multiple submitters, no conflicts (2 of 4 stars). 2 submissions from 2 submitters: Likely benign (2). Last evaluated 2025-02-23.

Conditions:
GLUT1 deficiency syndrome 1, autosomal recessive. Identifiers: MedGen C3149117.

Allele frequency attached by ClinVar (database versions not stated): gnomAD 0.00001; TOPMed 0.00002; ExAC 0.00003; gnomAD exomes 0.00003; ESP Exome Variant Server 0.00008.
gnomAD v4.1: 23 of 1,613,852 alleles (0.0014%); highest among the groups gnomAD compares: South Asian, 0.015%; no homozygotes.

Submissions (2):

Labcorp Genetics (formerly Invitae), Labcorp
Classification: Likely benign for GLUT1 deficiency syndrome 1, autosomal recessive. Last evaluated: 2025-02-23. Review status: criteria provided, single submitter. Criteria: Invitae Variant Classification Sherloc (09022015). Collection method: clinical testing. Allele origin: germline.

GeneDx
Classification: Likely benign. Last evaluated: 2016-01-12. Review status: criteria provided, single submitter. Criteria: GeneDx Variant Classification (06012015). Collection method: clinical testing. Allele origin: germline. Affected: yes.
Comment: This variant is considered likely benign or benign based on one or more of the following criteria: it is a conservative change, it occurs at a poorly conserved position in the protein, it is predicted to be benign by multiple in silico algorithms, and/or has population frequency not consistent with disease.

NM_006516.4(SLC2A1):c.522C>T (p.Phe174=)

Gene: SLC2A1 (solute carrier family 2 member 1; minus strand). Cytogenetic location: 1p34.2.
Variant type: single nucleotide variant.
Coding change: c.522C>T on transcript NM_006516.4 (MANE Select); coding-DNA position 522, C replaced by T.
Protein change: p.Phe174=; no amino-acid change (phenylalanine 174 retained).
Molecular consequence: synonymous variant.
Genome position (GRCh38, 1-based): chr1:42,930,030, G>A on the plus strand (C>T on the coding strand, the complement: SLC2A1 is on the minus strand). VCF-style: chr1-42930030-G-A. GRCh37 (hg19) VCF-style: chr1-43395701-G-A.
Identifiers: ClinVar variation 383120 (VCV000383120.2), dbSNP rs368733287, ClinGen allele CA803500.
Genomic context (GRCh38, chr1:42,930,030, plus strand): 5'-GAAGATGATGCTCAGCAGCAGGGGCCACAGGTCCTTGTTGCCCATGATGGAGTCCAGGCC[G>A]AACACCTGGGGGAAGCAGGGGCCGTGAGCGCCTCTGCCCTGACCCCCTTTCCCACCCCGT-3'
Protein context (NP_006507.2, residues 164-184): IVVGILIAQV[Phe174=]GLDSIMGNKD